The following is an entry in ClinVar:

ClinVar aggregate classification (germline): Uncertain significance (1 of 4 stars; one submission).

Conditions:
DICER1-related tumor predisposition. Also called: DICER1-related pleuropulmonary blastoma cancer predisposition syndrome; DICER1 syndrome. Identifiers: Orphanet 284343, MedGen C3839822, MONDO:0100216.

Submission:

Labcorp Genetics (formerly Invitae), Labcorp
Classification: Uncertain significance for DICER1-related tumor predisposition. Last evaluated: 2023-10-16. Review status: criteria provided, single submitter. Criteria: Invitae Variant Classification Sherloc (09022015). Collection method: clinical testing. Allele origin: germline.
Comment: This sequence change replaces tyrosine, which is neutral and polar, with cysteine, which is neutral and slightly polar, at codon 163 of the DICER1 protein (p.Tyr163Cys). This variant is not present in population databases (gnomAD no frequency). This variant has not been reported in the literature in individuals affected with DICER1-related conditions. Advanced modeling of protein sequence and biophysical properties (such as structural, functional, and spatial information, amino acid conservation, physicochemical variation, residue mobility, and thermodynamic stability) performed at Invitae indicates that this missense variant is not expected to disrupt DICER1 protein function. In summary, the available evidence is currently insufficient to determine the role of this variant in disease. Therefore, it has been classified as a Variant of Uncertain Significance.

NM_177438.3(DICER1):c.488A>G (p.Tyr163Cys)

Gene: DICER1 (dicer 1, ribonuclease III; minus strand). Cytogenetic location: 14q32.13.
Variant type: single nucleotide variant.
Coding change: c.488A>G on transcript NM_177438.3 (MANE Select); coding-DNA position 488, A replaced by G.
Protein change: p.Tyr163Cys; replaces tyrosine 163 with cysteine.
Molecular consequence: missense variant. On other transcripts: 5 prime UTR variant (1), non-coding transcript variant (6), intron variant (1).
Genome position (GRCh38, 1-based): chr14:95,130,143, T>C on the plus strand (A>G on the coding strand, the complement: DICER1 is on the minus strand). VCF-style: chr14-95130143-T-C. GRCh37 (hg19) VCF-style: chr14-95596480-T-C.
Other names: c.488A>G, p.Tyr163Cys (NM_001195573.1, NM_001271282.3, NM_001291628.2 and 15 more transcripts); c.206A>G, p.Tyr69Cys (NM_001395686.1); c.83A>G, p.Tyr28Cys (NM_001395687.1, NM_001395688.1, NM_001395689.1 and 3 more transcripts); c.-1081A>G (NM_001395697.1); c.-20-60A>G (NM_001395691.1); short protein forms Y28C, Y69C, Y163C.
Identifiers: ClinVar variation 2836883 (VCV002836883.3), dbSNP rs2543303608, ClinGen allele CA390888510.